The following is an entry in ClinVar:

NM_000260.4(MYO7A):c.2461C>T (p.Gln821Ter)

Gene: MYO7A (myosin VIIA; plus strand). Cytogenetic location: 11q13.5.
Variant type: single nucleotide variant.
Coding change: c.2461C>T on transcript NM_000260.4 (MANE Select); coding-DNA position 2461, C replaced by T.
Protein change: p.Gln821Ter; replaces glutamine 821 with a stop codon.
Molecular consequence: nonsense.
Genome position (GRCh38, 1-based): chr11:77,179,828, C>T. VCF-style: chr11-77179828-C-T. GRCh37 (hg19) VCF-style: chr11-76890874-C-T.
Other names: c.2461C>T, p.Gln821Ter (NM_001127180.2); c.2428C>T, p.Gln810Ter (NM_001369365.1); short protein forms Q821*, Q810*.
Identifiers: ClinVar variation 550026 (VCV000550026.8), dbSNP rs1279918132, ClinGen allele CA381941695.

ClinVar aggregate classification (germline): Pathogenic. Review status: criteria provided, multiple submitters, no conflicts (2 of 4 stars). 3 submissions from 3 submitters: Pathogenic (2). 1 of the submissions does not count toward it. Last evaluated 2026-04-10.

Conditions:
Autosomal recessive nonsyndromic hearing loss 2. Also called: NEUROSENSORY NONSYNDROMIC RECESSIVE DEAFNESS 2; DEAFNESS, AUTOSOMAL RECESSIVE 2. Identifiers: Orphanet 90636, MedGen C1838701, MONDO:0010807, OMIM 600060.
Usher syndrome type 1 (USH1). Also called: RETINITIS PIGMENTOSA AND CONGENITAL DEAFNESS. Identifiers: Orphanet 231169, Orphanet 886, MedGen C1568247, MONDO:0010168, OMIM 276900.

Allele frequency attached by ClinVar (database versions not stated): gnomAD 0.00001; gnomAD exomes below 0.00001; TOPMed below 0.00001.

Submissions (3):

Dasa
Classification: Pathogenic. Last evaluated: 2026-04-10. Review status: criteria provided, single submitter. Criteria: DASA Assertion Criteria. Collection method: clinical testing. Allele origin: germline.
Comment: NM_000260.4(MYO7A):c.2461C>T (p.Gln821*) introduces a premature termination codon predicted to result in loss of normal protein function. Loss-of-function is an established mechanism of disease for this gene. Segregation evidence has been reported in affected families. This variant has been observed in affected individuals with related phenotype in a genotype context consistent with recessive disease (PMID: 33576163). This variant has been reported in individuals with related phenotype (PMID: 33576163). The variant is present at low frequency in population datasets. Based on the available data, this variant is classified as pathogenic.

Labcorp Genetics (formerly Invitae), Labcorp
Classification: Pathogenic. Last evaluated: 2025-04-17. Review status: criteria provided, single submitter. Criteria: Invitae Variant Classification Sherloc (09022015). Collection method: clinical testing. Allele origin: germline.
Comment: This sequence change creates a premature translational stop signal (p.Gln821*) in the MYO7A gene. It is expected to result in an absent or disrupted protein product. Loss-of-function variants in MYO7A are known to be pathogenic (PMID: 8900236, 25404053). This variant is not present in population databases (gnomAD no frequency). This premature translational stop signal has been observed in individual(s) with Usher syndrome (PMID: 12112664). ClinVar contains an entry for this variant (Variation ID: 550026). For these reasons, this variant has been classified as Pathogenic.

Counsyl
Classification: Pathogenic for Usher syndrome type 1; Autosomal recessive nonsyndromic hearing loss 2. Last evaluated: 2017-05-01. Review status: no assertion criteria provided. Collection method: clinical testing. Allele origin: unknown. Not counted in ClinVar's aggregate classification.

Literature cited by the submitters: PubMed 33576163 (cited by Dasa); PubMed 8900236 (cited by Labcorp Genetics (formerly Invitae), Labcorp); PubMed 25404053 (cited by Labcorp Genetics (formerly Invitae), Labcorp); PubMed 12112664 (cited by Labcorp Genetics (formerly Invitae), Labcorp and Counsyl); PubMed 16470552 (cited by Counsyl).